The following is an entry in ClinVar:

NM_000037.4(ANK1):c.1189_1195dup (p.Ala399fs)

Gene: ANK1 (ankyrin 1; minus strand). Cytogenetic location: 8p11.21.
Variant type: Duplication.
Coding change: c.1189_1195dup on transcript NM_000037.4 (MANE Select); coding-DNA positions 1189 to 1195, 7 bases duplicated (ATCGACG; older notation c.1189_1195dupATCGACG).
Protein change: p.Ala399fs; shifts the reading frame from alanine 399.
Molecular consequence: frameshift variant.
Genome position (GRCh38, 1-based): chr8:41,718,117-41,718,123, CGTCGAT duplicated on the plus strand (ATCGACG on the coding strand, the reverse complement: ANK1 is on the minus strand); duplicating any 7 consecutive bases within chr8:41,718,117-41,718,125 gives the same sequence; the c. name uses the placement nearest the transcript's 3' end. VCF-style (leftmost placement, unchanged base first): chr8-41718116-G-GCGTCGAT. GRCh37 (hg19) VCF-style: chr8-41575634-G-GCGTCGAT.
Other names: c.1288_1294dup, p.Ala432fs (NM_001142446.2); c.1189_1195dup, p.Ala399fs (NM_020475.3, NM_020476.3, NM_020477.3); short protein forms A399fs, A432fs.
Identifiers: ClinVar variation 4992266 (VCV004992266.1).

ClinVar aggregate classification (germline): Likely pathogenic (1 of 4 stars; one submission).

Conditions:
ANK1-related disorder. Also called: ANK1-related condition.

Submission:

PreventionGenetics, part of Exact Sciences
Classification: Likely pathogenic for ANK1-related condition. Last evaluated: 2025-12-22. Review status: criteria provided, single submitter. Criteria: ACMG Guidelines, 2015. Collection method: clinical testing. Allele origin: germline.
Comment: The ANK1 c.1189_1195dup7 variant is predicted to result in a frameshift and premature protein termination (p.Ala399Aspfs*74). To our knowledge, this variant has not been reported in the literature or in a large population database (gnomAD), indicating this variant is rare. Frameshift variants in ANK1 are expected to be pathogenic. This variant is interpreted as likely pathogenic.